The following is an entry in ClinVar:

NM_004370.6(COL12A1):c.1900C>A (p.Pro634Thr)

Gene: COL12A1 (collagen type XII alpha 1 chain; minus strand). Cytogenetic location: 6q13.
Variant type: single nucleotide variant.
Coding change: c.1900C>A on transcript NM_004370.6 (MANE Select); coding-DNA position 1900, C replaced by A.
Protein change: p.Pro634Thr; replaces proline 634 with threonine.
Molecular consequence: missense variant. On other transcripts: intron variant (1).
Genome position (GRCh38, 1-based): chr6:75,181,203, G>T on the plus strand (C>A on the coding strand, the complement: COL12A1 is on the minus strand). VCF-style: chr6-75181203-G-T. GRCh37 (hg19) VCF-style: chr6-75890919-G-T.
Other names: c.73+21517C>A (NM_080645.3); short protein forms P634T.
Identifiers: ClinVar variation 1318470 (VCV001318470.2), dbSNP rs1769264339, ClinGen allele CA364767762.

ClinVar aggregate classification (germline): Uncertain significance (1 of 4 stars; one submission).

Submission:

GeneDx
Classification: Uncertain significance. Last evaluated: 2021-04-14. Review status: criteria provided, single submitter. Criteria: GeneDx Variant Classification Process June 2021. Collection method: clinical testing. Allele origin: germline. Affected: yes.
Comment: Not observed in large population cohorts (Lek et al., 2016); In silico analysis supports that this missense variant does not alter protein structure/function; Has not been previously published as pathogenic or benign to our knowledge